The following is an entry in ClinVar:

NM_012123.4(MTO1):c.82G>A (p.Asp28Asn)

Gene: MTO1 (mitochondrial tRNA translation optimization 1; plus strand). Cytogenetic location: 6q13.
Variant type: single nucleotide variant.
Coding change: c.82G>A on transcript NM_012123.4 (MANE Select); coding-DNA position 82, G replaced by A.
Protein change: p.Asp28Asn; replaces aspartic acid 28 with asparagine.
Molecular consequence: missense variant.
Genome position (GRCh38, 1-based): chr6:73,461,936, G>A. VCF-style: chr6-73461936-G-A. GRCh37 (hg19) VCF-style: chr6-74171659-G-A.
Other names: c.82G>A, p.Asp28Asn (NM_001123226.2, NM_133645.3); short protein forms D28N.
Identifiers: ClinVar variation 1031741 (VCV001031741.6), dbSNP rs780242649, ClinGen allele CA3889219.
Genomic context (GRCh38, chr6:73,461,936, plus strand): 5'-GGCCGTTGGGTCGCGGTTTCCTTCACCAAGCAGCAATTTCCGTTGGCACGGTTGAGCAGT[G>A]ACAGCGCGGCGCCCCGGACTCCGCACTTCGACGTGATAGTCATTGGTGGAGGACATGCCG-3'
Protein context (NP_036255.2, residues 18-38): QQFPLARLSS[Asp28Asn]SAAPRTPHFD

ClinVar aggregate classification (germline): Uncertain significance. Review status: criteria provided, multiple submitters, no conflicts (2 of 4 stars). 2 submissions from 2 submitters: Uncertain significance (2). Last evaluated 2021-09-01.

Conditions:
Mitochondrial hypertrophic cardiomyopathy with lactic acidosis due to MTO1 deficiency. Also called: CARDIOMYOPATHY, INFANTILE HYPERTROPHIC MITOCHONDRIAL, AND LACTIC ACIDOSIS; Combined oxidative phosphorylation deficiency 10. Identifiers: Orphanet 314637, MedGen C4749921, MONDO:0013865, OMIM 614702.

Allele frequency attached by ClinVar (database versions not stated): gnomAD exomes below 0.00001; ExAC 0.00001; TOPMed 0.00002; gnomAD 0.00001.
gnomAD v4.1: 4 of 1,614,144 alleles (0.00025%); highest among the groups gnomAD compares: African/African-American, 0.0027%; no homozygotes.

Submissions (2):

Labcorp Genetics (formerly Invitae), Labcorp
Classification: Uncertain significance for Mitochondrial hypertrophic cardiomyopathy with lactic acidosis due to MTO1 deficiency. Last evaluated: 2021-09-01. Review status: criteria provided, single submitter. Criteria: Invitae Variant Classification Sherloc (09022015). Collection method: clinical testing. Allele origin: germline.
Comment: This sequence change replaces aspartic acid with asparagine at codon 28 of the MTO1 protein (p.Asp28Asn). The aspartic acid residue is weakly conserved and there is a small physicochemical difference between aspartic acid and asparagine. This variant is present in population databases (rs780242649, ExAC 0.009%). This variant has not been reported in the literature in individuals affected with MTO1-related conditions. Algorithms developed to predict the effect of missense changes on protein structure and function are either unavailable or do not agree on the potential impact of this missense change (SIFT: "Deleterious"; PolyPhen-2: "Benign"; Align-GVGD: "Class C0"). In summary, the available evidence is currently insufficient to determine the role of this variant in disease. Therefore, it has been classified as a Variant of Uncertain Significance.

Baylor Genetics
Classification: Uncertain significance for Mitochondrial hypertrophic cardiomyopathy with lactic acidosis due to MTO1 deficiency. Last evaluated: 2018-07-16. Review status: criteria provided, single submitter. Criteria: ACMG Guidelines, 2015. Collection method: clinical testing. Allele origin: maternal. Affected: yes.
Comment: This variant was determined to be of uncertain significance according to ACMG Guidelines, 2015 [PMID:25741868].